The following is an entry in ClinVar:

ClinVar aggregate classification (germline): Uncertain significance. Review status: criteria provided, multiple submitters, no conflicts (2 of 4 stars). 2 submissions from 2 submitters: Uncertain significance (2). Last evaluated 2022-05-04.

Conditions:
Hereditary pheochromocytoma and paraganglioma. Also called: Hereditary paragangliomas and pheochromocytomas; Hereditary pheochromocytoma-paraganglioma; Hereditary Paraganglioma-Pheochromocytoma Syndromes. Identifiers: Orphanet 29072, MedGen C4274332, MONDO:0017366.

Submissions (2):

Mendelics
Classification: Uncertain significance. Last evaluated: 2022-05-04. Review status: criteria provided, single submitter. Criteria: Mendelics Assertion Criteria 2019. Collection method: clinical testing. Allele origin: germline.

Labcorp Genetics (formerly Invitae), Labcorp
Classification: Uncertain significance for Hereditary pheochromocytoma and paraganglioma. Last evaluated: 2020-09-13. Review status: criteria provided, single submitter. Criteria: Invitae Variant Classification Sherloc (09022015). Collection method: clinical testing. Allele origin: germline.
Comment: This sequence change replaces glutamic acid with aspartic acid at codon 143 of the MAX protein (p.Glu143Asp). The glutamic acid residue is highly conserved and there is a small physicochemical difference between glutamic acid and aspartic acid. This variant is not present in population databases (ExAC no frequency). This variant has not been reported in the literature in individuals with MAX-related conditions. Algorithms developed to predict the effect of missense changes on protein structure and function (SIFT, PolyPhen-2, Align-GVGD) all suggest that this variant is likely to be tolerated, but these predictions have not been confirmed by published functional studies and their clinical significance is uncertain. In summary, the available evidence is currently insufficient to determine the role of this variant in disease. Therefore, it has been classified as a Variant of Uncertain Significance.

NM_002382.5(MAX):c.429G>C (p.Glu143Asp)

Gene: MAX (MYC associated transcriptional regulator X; minus strand). Cytogenetic location: 14q23.3.
Variant type: single nucleotide variant.
Coding change: c.429G>C on transcript NM_002382.5 (MANE Select); coding-DNA position 429, G replaced by C.
Protein change: p.Glu143Asp; replaces glutamic acid 143 with aspartic acid.
Molecular consequence: missense variant. On other transcripts: 3 prime UTR variant (1), intron variant (2).
Genome position (GRCh38, 1-based): chr14:65,076,530, C>G on the plus strand (G>C on the coding strand, the complement: MAX is on the minus strand). VCF-style: chr14-65076530-C-G. GRCh37 (hg19) VCF-style: chr14-65543248-C-G.
Other names: c.240G>C, p.Glu80Asp (NM_001320415.2, NM_001407105.1, NM_001407106.1 and 1 more transcripts); c.429G>C, p.Glu143Asp (NM_001407094.1); c.402G>C, p.Glu134Asp (NM_001407095.1, NM_145112.3); c.*202G>C (NM_001407096.1, NM_001407099.1, NM_001407102.1 and 2 more transcripts); c.*218G>C (NM_001407097.1, NM_001407100.1, NM_001407101.1 and 4 more transcripts); c.321G>C, p.Glu107Asp (NM_001407098.1); c.228G>C, p.Glu76Asp (NM_001407111.1, NM_001407112.1); c.144+17178G>C (NM_001271069.2); and 1 more; short protein forms E80D, E143D, E134D, E107D, E76D.
Identifiers: ClinVar variation 1042009 (VCV001042009.11), dbSNP rs773818427, ClinGen allele CA390031383.